The following is an entry in ClinVar:

ClinVar aggregate classification (germline): Likely pathogenic. Review status: criteria provided, multiple submitters, no conflicts (2 of 4 stars). 2 submissions from 2 submitters: Likely pathogenic (2). Last evaluated 2019-12-23.

Conditions:
Ehlers-Danlos syndrome, classic type, 1 (EDSCL1). Also called: Ehlers-Danlos Syndrome, Classic Type, COL5A1-Related; EHLERS-DANLOS SYNDROME, GRAVIS TYPE; EHLERS-DANLOS SYNDROME, SEVERE CLASSIC TYPE; EDS I; Ehlers-Danlos syndrome, type 1. Identifiers: MedGen C0268335, MONDO:0019567, OMIM 130000.
COL5A1-related disorders.

Submissions (2):

Blueprint Genetics
Classification: Likely pathogenic for COL5A1-related disorders. Last evaluated: 2019-12-23. Review status: criteria provided, single submitter. Criteria: ACMG Guidelines, 2015. Collection method: clinical testing. Allele origin: germline. Affected: yes. Observed: 1 variant allele.

Labcorp Genetics (formerly Invitae), Labcorp
Classification: Likely pathogenic for Ehlers-Danlos syndrome, classic type, 1. Last evaluated: 2019-04-25. Review status: criteria provided, single submitter. Criteria: Invitae Variant Classification Sherloc (09022015). Collection method: clinical testing. Allele origin: germline.
Comment: In summary, the currently available evidence indicates that the variant is pathogenic, but additional data are needed to prove that conclusively. Therefore, this variant has been classified as Likely Pathogenic. Donor and acceptor splice site variants typically lead to a loss of protein function (PMID: 16199547), and loss-of-function variants in COL5A1 are known to be pathogenic (PMID: 23587214). Algorithms developed to predict the effect of sequence changes on RNA splicing suggest that this variant may disrupt the consensus splice site, but this prediction has not been confirmed by published transcriptional studies. This variant has not been reported in the literature in individuals with COL5A1-related conditions. This variant is not present in population databases (ExAC no frequency). This sequence change affects a donor splice site in intron 63 of the COL5A1 gene. It is expected to disrupt RNA splicing and likely results in an absent or disrupted protein product.

Literature cited by the submitters: PubMed 16199547 (cited by Labcorp Genetics (formerly Invitae), Labcorp); PubMed 23587214 (cited by Labcorp Genetics (formerly Invitae), Labcorp).

NM_000093.5(COL5A1):c.5067+1G>A

Genes: COL5A1 (collagen type V alpha 1 chain; plus strand), LOC101448202 (uncharacterized LOC101448202; minus strand). Cytogenetic location: 9q34.3.
Variant type: single nucleotide variant.
Coding change: c.5067+1G>A on transcript NM_000093.5 (MANE Select); the canonical splice donor site of the intron after coding-DNA position 5067, G replaced by A.
Molecular consequence: splice donor variant.
Genome position (GRCh38, 1-based): chr9:134,825,905, G>A. VCF-style: chr9-134825905-G-A. GRCh37 (hg19) VCF-style: chr9-137717751-G-A.
Other names: c.5067+1G>A (NM_001278074.1).
Identifiers: ClinVar variation 946336 (VCV000946336.10), dbSNP rs1839245948, ClinGen allele CA375459064.